The following is an entry in ClinVar:

NM_000154.2(GALK1):c.250G>T (p.Glu84Ter)

Gene: GALK1 (galactokinase 1; minus strand). Cytogenetic location: 17q25.1.
Variant type: single nucleotide variant.
Coding change: c.250G>T on transcript NM_000154.2 (MANE Select); coding-DNA position 250, G replaced by T.
Protein change: p.Glu84Ter; replaces glutamic acid 84 with a stop codon.
Molecular consequence: nonsense.
Genome position (GRCh38, 1-based): chr17:75,764,002, C>A on the plus strand (G>T on the coding strand, the complement: GALK1 is on the minus strand). VCF-style: chr17-75764002-C-A. GRCh37 (hg19) VCF-style: chr17-73760083-C-A.
Other names: c.250G>T, p.Glu84Ter (NM_001381985.1); short protein forms E84*.
Identifiers: ClinVar variation 983981 (VCV000983981.3), dbSNP rs761638957, ClinGen allele CA401107101.

ClinVar aggregate classification (germline): Likely pathogenic (1 of 4 stars; one submission).

Conditions:
Deficiency of galactokinase. Also called: GALACTOSEMIA II; Galactokinase deficiency with cataracts. Identifiers: Orphanet 352, Orphanet 79237, MedGen C0268155, MONDO:0009255, OMIM 230200.

Submission:

Myriad Genetics, Inc.
Classification: Likely pathogenic for Deficiency of galactokinase. Last evaluated: 2019-06-30. Review status: criteria provided, single submitter. Criteria: Myriad Women's Health Autosomal Recessive and X-Linked Classification Criteria (2019). Collection method: clinical testing. Allele origin: unknown.
Comment: NM_000154.1(GALK1):c.250G>T(E84*) is expected to be pathogenic in the context of galactokinase deficiency. This variant is predicted to lead to an abnormal or absent protein product due to the creation of a premature termination codon in GALK1, a gene where loss-of-function variants are known to be pathogenic. Please note: this variant was assessed in the context of healthy population screening.